The following is an entry in ClinVar:

NM_000130.5(F5):c.*1436T>A

Gene: F5 (coagulation factor V; minus strand). Cytogenetic location: 1q24.2.
Variant type: single nucleotide variant.
Coding change: c.*1436T>A on transcript NM_000130.5 (MANE Select); 1436 bases downstream of the stop codon, T replaced by A.
Molecular consequence: 3 prime UTR variant.
Genome position (GRCh38, 1-based): chr1:169,512,877, A>T on the plus strand (T>A on the coding strand, the complement: F5 is on the minus strand). VCF-style: chr1-169512877-A-T. GRCh37 (hg19) VCF-style: chr1-169482115-A-T.
Identifiers: ClinVar variation 293548 (VCV000293548.8), dbSNP rs9332678, ClinGen allele CA10608141.
Genomic context (GRCh38, chr1:169,512,877, plus strand): 5'-ATGCTCCCAGTGAATTATGCCTCCTGGTATGTGGTCCTTATGCAGTTCCCTTCTACACTG[A>T]ATCGAGACTGGCCTGTAATTTGTGTTCACAACGAATAGAATGCAGCAAAAGCAAAGCCCT-3'

ClinVar aggregate classification (germline): Benign. Review status: criteria provided, multiple submitters, no conflicts (2 of 4 stars). 4 submissions from 2 submitters: Benign (4). Last evaluated 2021-05-12.

Conditions:
Thrombophilia due to thrombin defect (THPH1). Also called: Thrombosis susceptibility; THROMBOPHILIA DUE TO FACTOR 2 DEFECT; Prothrombin-Related Thrombophilia (Factor II); Prothrombin Thrombophilia. Identifiers: MedGen C3160733, MONDO:0008559, OMIM 188050. Disease mechanism: gain of function, loss of function.
Factor V deficiency. Also called: Reduced coagulation factor V activity. Identifiers: Orphanet 326, MedGen C4317320, MONDO:0020586, HP:0003225.
Budd-Chiari syndrome (BDCHS). Also called: Hepatic vein obstruction. Identifiers: Orphanet 131, MedGen C0856761, MONDO:0010947, OMIM 600880, HP:0002639.

Allele frequency attached by ClinVar (database versions not stated): TOPMed 0.09050; 1000 Genomes Project 30x 0.21112; 1000 Genomes Project 0.21865.
gnomAD v4.1: 12,752 of 152,064 alleles (8.4%); highest among the groups gnomAD compares: East Asian, 63%; 1,632 homozygotes.

Submissions (4):

GeneDx
Classification: Benign. Last evaluated: 2021-05-12. Review status: criteria provided, single submitter. Criteria: GeneDx Variant Classification Process June 2021. Collection method: clinical testing. Allele origin: germline. Affected: yes.

Illumina Laboratory Services, Illumina
Classification: Benign for Budd-Chiari syndrome. Last evaluated: 2018-01-12. Review status: criteria provided, single submitter. Criteria: ICSL Variant Classification Criteria 13 December 2019. Collection method: clinical testing. Allele origin: germline.
Comment: This variant was observed in the ICSL laboratory as part of a predisposition screen in an ostensibly healthy population. It had not been previously curated by ICSL or reported in the Human Gene Mutation Database (HGMD: prior to June 1st, 2018), and was therefore a candidate for classification through an automated scoring system. Utilizing variant allele frequency, disease prevalence and penetrance estimates, and inheritance mode, an automated score was calculated to assess if this variant is too frequent to cause the disease. Based on the score and internal cut-off values, a variant classified as benign is not then subjected to further curation. The score for this variant resulted in a classification of benign for this disease.

Illumina Laboratory Services, Illumina
Classification: Benign for Congenital factor V deficiency. Last evaluated: 2018-01-12. Review status: criteria provided, single submitter. Criteria: ICSL Variant Classification Criteria 13 December 2019. Collection method: clinical testing. Allele origin: germline.
Comment: the same text as in the submission from Illumina Laboratory Services, Illumina above.

Illumina Laboratory Services, Illumina
Classification: Benign for Venous thrombosis. Last evaluated: 2018-01-12. Review status: criteria provided, single submitter. Criteria: ICSL Variant Classification Criteria 13 December 2019. Collection method: clinical testing. Allele origin: germline.
Comment: the same text as in the submission from Illumina Laboratory Services, Illumina above.